The following is an entry in ClinVar:

ClinVar aggregate classification (germline): Uncertain significance (1 of 4 stars; one submission).

Submission:

GeneDx
Classification: Uncertain significance. Last evaluated: 2026-03-19. Review status: criteria provided, single submitter. Criteria: GeneDx Variant Classification Process June 2021. Collection method: clinical testing. Allele origin: germline.
Comment: Not observed at significant frequency in large population cohorts (gnomAD); In silico analysis supports that this missense variant has a deleterious effect on protein structure/function; Has not been previously published as pathogenic or benign to our knowledge

NM_001393769.1(MED12L):c.3530G>T (p.Cys1177Phe)

Genes: MED12L (mediator complex subunit 12L; plus strand), P2RY12 (purinergic receptor P2Y12; minus strand). Cytogenetic location: 3q25.1.
Variant type: single nucleotide variant.
Coding change: c.3530G>T on transcript NM_001393769.1 (MANE Select); coding-DNA position 3530, G replaced by T.
Protein change: p.Cys1177Phe; replaces cysteine 1177 with phenylalanine.
Molecular consequence: missense variant. On other transcripts: intron variant (1).
Genome position (GRCh38, 1-based): chr3:151,368,231, G>T. VCF-style: chr3-151368231-G-T. GRCh37 (hg19) VCF-style: chr3-151086019-G-T.
Other names: c.3425G>T, p.Cys1142Phe (NM_053002.6); c.-180+16461C>A (NM_022788.5); short protein forms C1142F, C1177F.
Identifiers: ClinVar variation 4685426 (VCV004685426.2).